The following is an entry in ClinVar:

ClinVar aggregate classification (germline): Uncertain significance (1 of 4 stars; one submission).

Allele frequency attached by ClinVar (database versions not stated): gnomAD exomes below 0.00001; TOPMed below 0.00001.
gnomAD v4.1: 2 of 1,613,554 alleles (0.00012%); highest among the groups gnomAD compares: South Asian, 0.0022%; no homozygotes.

Submission:

Labcorp Genetics (formerly Invitae), Labcorp
Classification: Uncertain significance. Last evaluated: 2023-08-24. Review status: criteria provided, single submitter. Criteria: Invitae Variant Classification Sherloc (09022015). Collection method: clinical testing. Allele origin: germline.
Comment: In summary, the available evidence is currently insufficient to determine the role of this variant in disease. Therefore, it has been classified as a Variant of Uncertain Significance. An algorithm developed to predict the effect of missense changes on protein structure and function (PolyPhen-2) suggests that this variant is likely to be tolerated. ClinVar contains an entry for this variant (Variation ID: 1932402). This variant has not been reported in the literature in individuals affected with TMTC3-related conditions. This variant is not present in population databases (gnomAD no frequency). This sequence change replaces asparagine, which is neutral and polar, with serine, which is neutral and polar, at codon 614 of the TMTC3 protein (p.Asn614Ser).

NM_181783.4(TMTC3):c.1841A>G (p.Asn614Ser)

Gene: TMTC3 (transmembrane O-mannosyltransferase targeting cadherins 3; plus strand). Cytogenetic location: 12q21.32.
Variant type: single nucleotide variant.
Coding change: c.1841A>G on transcript NM_181783.4 (MANE Select); coding-DNA position 1841, A replaced by G.
Protein change: p.Asn614Ser; replaces asparagine 614 with serine.
Molecular consequence: missense variant. On other transcripts: non-coding transcript variant (1).
Genome position (GRCh38, 1-based): chr12:88,192,738, A>G. VCF-style: chr12-88192738-A-G. GRCh37 (hg19) VCF-style: chr12-88586515-A-G.
Other names: c.1661A>G, p.Asn554Ser (NM_001366574.1); c.1622A>G, p.Asn541Ser (NM_001366579.1); c.1574A>G, p.Asn525Ser (NM_001366580.1); c.1148A>G, p.Asn383Ser (NM_001366583.1); short protein forms N614S, N383S, N525S, N541S, N554S.
Identifiers: ClinVar variation 1932402 (VCV001932402.5), dbSNP rs1422499465, ClinGen allele CA386117960.